The following is an entry in ClinVar:

ClinVar aggregate classification (germline): Uncertain significance (1 of 4 stars; one submission).

Conditions:
Rhabdoid tumor predisposition syndrome 2 (RTPS2). Identifiers: Orphanet 231108, Orphanet 69077, MedGen C2750074, MONDO:0013224, OMIM 613325.

Submission:

Labcorp Genetics (formerly Invitae), Labcorp
Classification: Uncertain significance for Rhabdoid tumor predisposition syndrome 2. Last evaluated: 2019-03-25. Review status: criteria provided, single submitter. Criteria: Invitae Variant Classification Sherloc (09022015). Collection method: clinical testing. Allele origin: germline.
Comment: In summary, the available evidence is currently insufficient to determine the role of this variant in disease. Therefore, it has been classified as a Variant of Uncertain Significance. Nucleotide substitutions within the consensus splice site are a relatively common cause of aberrant splicing (PMID: 17576681, 9536098). Algorithms developed to predict the effect of sequence changes on RNA splicing suggest that this variant may disrupt the consensus splice site, but this prediction has not been confirmed by published transcriptional studies. This variant has not been reported in the literature in individuals with SMARCA4-related conditions. This variant is not present in population databases (ExAC no frequency). This sequence change falls in intron 23 of the SMARCA4 gene. It does not directly change the encoded amino acid sequence of the SMARCA4 protein, but it affects a nucleotide within the consensus splice site of the intron.

Literature cited by the submitters: PubMed 17576681; PubMed 9536098.

NM_003072.5(SMARCA4):c.3215+5G>A

Gene: SMARCA4 (SWI/SNF related BAF chromatin remodeling complex subunit ATPase 4; plus strand). Cytogenetic location: 19p13.2.
Variant type: single nucleotide variant.
Coding change: c.3215+5G>A on transcript NM_003072.5 (MANE Select); 5 bases into the intron after coding-DNA position 3215, G replaced by A.
Molecular consequence: intron variant.
Genome position (GRCh38, 1-based): chr19:11,026,351, G>A. VCF-style: chr19-11026351-G-A. GRCh37 (hg19) VCF-style: chr19-11137027-G-A.
Other names: c.3215+5G>A (NM_001128844.3, NM_001128849.3, NM_001128847.4 and 4 more transcripts).
Identifiers: ClinVar variation 841875 (VCV000841875.7), dbSNP rs2090256316, ClinGen allele CA916083661.